The following is an entry in ClinVar:

NM_001367624.2(ZNF469):c.10327G>A (p.Gly3443Arg)

Gene: ZNF469 (zinc finger protein 469; plus strand). Cytogenetic location: 16q24.2.
Variant type: single nucleotide variant.
Coding change: c.10327G>A on transcript NM_001367624.2 (MANE Select); coding-DNA position 10327, G replaced by A.
Protein change: p.Gly3443Arg; replaces glycine 3443 with arginine.
Molecular consequence: missense variant.
Genome position (GRCh38, 1-based): chr16:88,437,797, G>A. VCF-style: chr16-88437797-G-A. GRCh37 (hg19) VCF-style: chr16-88504205-G-A.
Other names: NM_001127464.1:c.10243G>A; short protein forms G3443R.
Identifiers: ClinVar variation 1706200 (VCV001706200.29), dbSNP rs532857190, ClinGen allele CA8225497.

ClinVar aggregate classification (germline): Conflicting classifications of pathogenicity. Review status: criteria provided, conflicting classifications (1 of 4 stars). 4 submissions from 4 submitters: Uncertain significance (2); Likely benign (2). Last evaluated 2026-05-13.

Conditions:
Cardiovascular phenotype. Identifiers: MedGen CN230736.

gnomAD v4.1: 33 of 1,546,288 alleles (0.0021%); highest among the groups gnomAD compares: Middle Eastern, 0.18%; no homozygotes.

Submissions (4):

Women's Health and Genetics/Laboratory Corporation of America, LabCorp
Classification: Uncertain significance. Last evaluated: 2026-05-13. Review status: criteria provided, single submitter. Criteria: LabCorp Variant Classification Summary - May 2015. Collection method: clinical testing. Allele origin: germline.
Comment: Variant summary: ZNF469 c.10327G>A (p.Gly3443Arg) results in a non-conservative amino acid change in the encoded protein sequence. Algorithms developed to predict the effect of missense changes on protein structure and function are either unavailable or do not agree on the potential impact of this missense change. The variant allele was found at a frequency of 4.8e-05 in 144634 control chromosomes. The available data on variant occurrences in the general population are insufficient to allow any conclusion about variant significance. To our knowledge, no occurrence of c.10327G>A in individuals affected with ZNF469-related conditions and no experimental evidence demonstrating its impact on protein function have been reported. ClinVar contains an entry for this variant (Variation ID: 1706200). Based on the evidence outlined above, the variant was classified as uncertain significance.

CeGaT Center for Human Genetics Tuebingen
Classification: Likely benign. Last evaluated: 2023-11-01. Review status: criteria provided, single submitter. Criteria: CeGaT Center For Human Genetics Tuebingen Variant Classification Criteria Version 2. Collection method: clinical testing. Allele origin: germline. Affected: yes. Observed: 1 variant allele.
Comment: ZNF469: BP4

Ambry Genetics
Classification: Likely benign for Cardiovascular phenotype. Last evaluated: 2023-01-30. Review status: criteria provided, single submitter. Criteria: Ambry Variant Classification Scheme 2023. Collection method: clinical testing. Allele origin: germline.

GeneDx
Classification: Uncertain significance. Last evaluated: 2022-09-07. Review status: criteria provided, single submitter. Criteria: GeneDx Variant Classification Process June 2021. Collection method: clinical testing. Allele origin: germline. Affected: yes.
Comment: Has not been previously published as pathogenic or benign to our knowledge; In silico analysis supports that this missense variant does not alter protein structure/function